The following is an entry in ClinVar:

ClinVar aggregate classification (germline): Uncertain significance. Review status: criteria provided, multiple submitters, no conflicts (2 of 4 stars). 2 submissions from 2 submitters: Uncertain significance (2). Last evaluated 2025-01-06.

Conditions:
Cardiovascular phenotype. Identifiers: MedGen CN230736.

Allele frequency attached by ClinVar (database versions not stated): ExAC 0.00002; gnomAD exomes 0.00002; gnomAD 0.00003; TOPMed 0.00009.
gnomAD v4.1: 33 of 1,614,056 alleles (0.002%); highest among the groups gnomAD compares: Middle Eastern, 0.016%; no homozygotes.

Submissions (2):

Labcorp Genetics (formerly Invitae), Labcorp
Classification: Uncertain significance. Last evaluated: 2025-01-06. Review status: criteria provided, single submitter. Criteria: Invitae Variant Classification Sherloc (09022015). Collection method: clinical testing. Allele origin: germline.
Comment: This sequence change replaces valine, which is neutral and non-polar, with methionine, which is neutral and non-polar, at codon 717 of the ABCA1 protein (p.Val717Met). This variant is present in population databases (rs773772455, gnomAD 0.004%). This variant has not been reported in the literature in individuals affected with ABCA1-related conditions. ClinVar contains an entry for this variant (Variation ID: 1786696). Invitae Evidence Modeling of protein sequence and biophysical properties (such as structural, functional, and spatial information, amino acid conservation, physicochemical variation, residue mobility, and thermodynamic stability) has been performed for this missense variant. However, the output from this modeling did not meet the statistical confidence thresholds required to predict the impact of this variant on ABCA1 protein function. In summary, the available evidence is currently insufficient to determine the role of this variant in disease. Therefore, it has been classified as a Variant of Uncertain Significance.

Ambry Genetics
Classification: Uncertain significance for Cardiovascular phenotype. Last evaluated: 2024-05-25. Review status: criteria provided, single submitter. Criteria: Ambry Variant Classification Scheme 2023. Collection method: clinical testing. Allele origin: germline.
Comment: The p.V717M variant (also known as c.2149G>A), located in coding exon 15 of the ABCA1 gene, results from a G to A substitution at nucleotide position 2149. The valine at codon 717 is replaced by methionine, an amino acid with highly similar properties. This amino acid position is conserved. In addition, this alteration is predicted to be deleterious by in silico analysis. Since supporting evidence is limited at this time, the clinical significance of this alteration remains unclear.

NM_005502.4(ABCA1):c.2149G>A (p.Val717Met)

Gene: ABCA1 (ATP binding cassette subfamily A member 1; minus strand). Cytogenetic location: 9q31.1.
Variant type: single nucleotide variant.
Coding change: c.2149G>A on transcript NM_005502.4 (MANE Select); coding-DNA position 2149, G replaced by A.
Protein change: p.Val717Met; replaces valine 717 with methionine.
Molecular consequence: missense variant.
Genome position (GRCh38, 1-based): chr9:104,827,136, C>T on the plus strand (G>A on the coding strand, the complement: ABCA1 is on the minus strand). VCF-style: chr9-104827136-C-T. GRCh37 (hg19) VCF-style: chr9-107589417-C-T.
Other names: short protein forms V717M.
Identifiers: ClinVar variation 1786696 (VCV001786696.6), dbSNP rs773772455, ClinGen allele CA5168796.